The following is an entry in ClinVar:

ClinVar aggregate classification (germline): Conflicting classifications of pathogenicity. Review status: criteria provided, conflicting classifications (1 of 4 stars). 4 submissions from 4 submitters: Uncertain significance (1); Likely benign (2). 1 of the submissions does not count toward it. Last evaluated 2024-10-27.

Conditions:
APOE-related disorder. Also called: APOE-related condition.
Alzheimer disease 3 (AD3). Also called: ALZHEIMER DISEASE, FAMILIAL, 3. Identifiers: Orphanet 1020, MedGen C1843013, MONDO:0011913, OMIM 607822.
Alzheimer disease 2 (AD2). Also called: ALZHEIMER DISEASE 2, LATE-ONSET; ALZHEIMER DISEASE ASSOCIATED WITH APOE4. Identifiers: Orphanet 1020, MedGen C1863051, MONDO:0007089, OMIM 104310.
Sea-blue histiocyte syndrome. Also called: Sea-blue histiocytosis; SEA-BLUE HISTIOCYTE DISEASE. Identifiers: Orphanet 158029, MedGen C0036489, MONDO:0010017, OMIM 269600, HP:0001982.
Age related macular degeneration 1 (ARMD1). Also called: MACULOPATHY, AGE-RELATED, 1. Identifiers: MedGen C1864205, MONDO:0011285, OMIM 603075.
Lipoprotein glomerulopathy (LPG). Identifiers: Orphanet 329481, MedGen C2673196, MONDO:0012725, OMIM 611771.
Familial type 3 hyperlipoproteinemia. Also called: Hyperlipoproteinemia type 3; Hyperlipoproteinemia type III; Dysbetalipoproteinemia; Familial dysbetalipoproteinemia; Broad beta disease; Remnant removal disease. Identifiers: Orphanet 412, MedGen C0020479, MONDO:0018473, OMIM 617347.
APOE5 VARIANT. Identifiers: MedGen C4479660.

Allele frequency attached by ClinVar (database versions not stated): ExAC 0.00016; gnomAD 0.00049 and 0.00044; 1000 Genomes Project 30x 0.00062; gnomAD exomes 0.00004 and 0.00012; TOPMed 0.00102; 1000 Genomes Project 0.00060.

Submissions (4):

PreventionGenetics, part of Exact Sciences
Classification: Likely benign for APOE-related condition. Last evaluated: 2024-10-27. Review status: criteria provided, single submitter. Criteria: ACMG Guidelines, 2015. Collection method: clinical testing. Allele origin: germline.
Comment: This variant is classified as likely benign based on ACMG/AMP sequence variant interpretation guidelines (Richards et al. 2015 PMID: 25741868, with internal and published modifications).

Fulgent Genetics
Classification: Uncertain significance for Alzheimer disease 2; Sea-blue histiocyte syndrome; Age related macular degeneration 1; Alzheimer disease 3; Lipoprotein glomerulopathy; Familial type 3 hyperlipoproteinemia. Last evaluated: 2024-06-05. Review status: criteria provided, single submitter. Criteria: ACMG Guidelines, 2015. Collection method: clinical testing. Allele origin: germline.

GeneDx
Classification: Likely benign. Last evaluated: 2019-05-24. Review status: criteria provided, single submitter. Criteria: GeneDx Variant Classification Process June 2021. Collection method: clinical testing. Allele origin: germline. Affected: yes.
Comment: See Variant Classification Assertion Criteria.

OMIM
Classification: Pathogenic for APOE5 VARIANT. Last evaluated: 1991-04-01. Review status: no assertion criteria provided. Collection method: literature only. Allele origin: germline. Not counted in ClinVar's aggregate classification.

Literature cited by the submitters: PubMed 1713245 (cited by OMIM).

NM_000041.4(APOE):c.91G>A (p.Glu31Lys)

Gene: APOE (apolipoprotein E; plus strand). Cytogenetic location: 19q13.32.
Variant type: single nucleotide variant.
Coding change: c.91G>A on transcript NM_000041.4 (MANE Select); coding-DNA position 91, G replaced by A.
Protein change: p.Glu31Lys; replaces glutamic acid 31 with lysine.
Molecular consequence: missense variant.
Genome position (GRCh38, 1-based): chr19:44,907,807, G>A. VCF-style: chr19-44907807-G-A. GRCh37 (hg19) VCF-style: chr19-45411064-G-A.
Other names: E13K; c.169G>A, p.Glu57Lys (NM_001302688.2); c.91G>A, p.Glu31Lys (NM_001302689.2, NM_001302690.2, NM_001302691.2); short protein forms E31K, E57K.
Identifiers: ClinVar variation 440842 (VCV000440842.7), dbSNP rs201672011, ClinGen allele CA041327.